The following is an entry in ClinVar:

ClinVar aggregate classification (germline): Likely benign (1 of 4 stars; one submission).

Allele frequency attached by ClinVar (database versions not stated): ESP Exome Variant Server 0.00008; gnomAD 0.00041 and 0.00067; TOPMed 0.00063; ExAC 0.00113; 1000 Genomes Project 30x 0.00250; 1000 Genomes Project 0.00339.
gnomAD v4.1: 1,467 of 1,613,780 alleles (0.091%); highest among the groups gnomAD compares: East Asian, 2.5%; 22 homozygotes.

Submissions (6):

GeneDx
Classification: Likely benign. Last evaluated: 2018-04-16. Review status: criteria provided, single submitter. Criteria: GeneDx Variant Classification (06012015). Collection method: clinical testing. Allele origin: germline. Affected: yes.
Comment: This variant is considered likely benign or benign based on one or more of the following criteria: it is a conservative change, it occurs at a poorly conserved position in the protein, it is predicted to be benign by multiple in silico algorithms, and/or has population frequency not consistent with disease.

Dr. Peter K. Rogan Lab, Western University
No classification provided (evidence only). Condition: Clear cell carcinoma of kidney. Review status: no classification provided. Collection method: in vitro. Allele origin: not applicable. Functional consequence: retained intron. Not counted in ClinVar's aggregate classification.

Dr. Peter K. Rogan Lab, Western University
No classification provided (evidence only). Condition: Gastric cancer. Review status: no classification provided. Collection method: in vitro. Allele origin: not applicable. Functional consequence: retained intron. Not counted in ClinVar's aggregate classification.

Dr. Peter K. Rogan Lab, Western University
No classification provided (evidence only). Condition: Gastric cancer. Review status: no classification provided. Collection method: in vitro. Allele origin: not applicable. Functional consequence: retained intron. Not counted in ClinVar's aggregate classification.

Dr. Peter K. Rogan Lab, Western University
No classification provided (evidence only). Condition: Gastric cancer. Review status: no classification provided. Collection method: in vitro. Allele origin: not applicable. Functional consequence: retained intron. Not counted in ClinVar's aggregate classification.

Dr. Peter K. Rogan Lab, Western University
No classification provided (evidence only). Condition: Gastric cancer. Review status: no classification provided. Collection method: in vitro. Allele origin: not applicable. Functional consequence: retained intron. Not counted in ClinVar's aggregate classification.

NM_012335.4(MYO1F):c.1101+3G>A

Gene: MYO1F (myosin IF; minus strand). Cytogenetic location: 19p13.2.
Variant type: single nucleotide variant.
Coding change: c.1101+3G>A on transcript NM_012335.4 (MANE Select); 3 bases into the intron after coding-DNA position 1101, G replaced by A.
Molecular consequence: intron variant.
Genome position (GRCh38, 1-based): chr19:8,550,157, C>T on the plus strand (G>A on the coding strand, the complement: MYO1F is on the minus strand). VCF-style: chr19-8550157-C-T. GRCh37 (hg19) VCF-style: chr19-8615041-C-T.
Other names: NC_000019.9:g.8615041C>T; c.1089+3G>A (NM_001348355.2).
Identifiers: ClinVar variation 681502 (VCV000681502.2), dbSNP rs117727578, ClinGen allele CA9159444.